The following is an entry in ClinVar:

NM_001144967.3(NEDD4L):c.1395C>T (p.Pro465=)

Gene: NEDD4L (NEDD4 like E3 ubiquitin protein ligase; plus strand). Cytogenetic location: 18q21.31.
Variant type: single nucleotide variant.
Coding change: c.1395C>T on transcript NM_001144967.3 (MANE Select); coding-DNA position 1395, C replaced by T.
Protein change: p.Pro465=; no amino-acid change (proline 465 retained).
Molecular consequence: synonymous variant.
Genome position (GRCh38, 1-based): chr18:58,342,923, C>T. VCF-style: chr18-58342923-C-T. GRCh37 (hg19) VCF-style: chr18-56010155-C-T.
Other names: c.1032C>T, p.Pro344= (NM_001144964.1, NM_001144965.2, NM_001144966.3); c.1371C>T, p.Pro457= (NM_001144968.2); c.1311C>T, p.Pro437= (NM_001144969.2); c.972C>T, p.Pro324= (NM_001144970.3, NM_001144971.2); c.1203C>T, p.Pro401= (NM_001243960.2); c.1335C>T, p.Pro445= (NM_015277.6).
Identifiers: ClinVar variation 417010 (VCV000417010.25), dbSNP rs200556635, ClinGen allele CA8975689.

ClinVar aggregate classification (germline): Likely benign. Review status: criteria provided, multiple submitters, no conflicts (2 of 4 stars). 4 submissions from 4 submitters: Likely benign (3). 1 of the submissions does not count toward it. Last evaluated 2026-03-01.

Conditions:
NEDD4L-related disorder. Also called: NEDD4L-related condition.

Allele frequency attached by ClinVar (database versions not stated): 1000 Genomes Project 30x 0.00016; 1000 Genomes Project 0.00020; TOPMed 0.00050; ESP Exome Variant Server 0.00065.
gnomAD v4.1: 1,336 of 1,610,810 alleles (0.083%); highest among the groups gnomAD compares: Non-Finnish European, 0.11%; 2 homozygotes.

Submissions (4):

CeGaT Center for Human Genetics Tuebingen
Classification: Likely benign. Last evaluated: 2026-03-01. Review status: criteria provided, single submitter. Criteria: CeGaT Center For Human Genetics Tuebingen Variant Classification Criteria Version 2. Collection method: clinical testing. Allele origin: germline. Affected: yes. Observed: 2 variant alleles.
Comment: NEDD4L: BP4

Labcorp Genetics (formerly Invitae), Labcorp
Classification: Likely benign. Last evaluated: 2026-01-28. Review status: criteria provided, single submitter. Criteria: Invitae Variant Classification Sherloc (09022015). Collection method: clinical testing. Allele origin: germline.

GeneDx
Classification: Likely benign. Last evaluated: 2018-09-07. Review status: criteria provided, single submitter. Criteria: GeneDx Variant Classification Process June 2021. Collection method: clinical testing. Allele origin: germline. Affected: yes.

PreventionGenetics, part of Exact Sciences
Classification: Likely benign for NEDD4L-related condition. Last evaluated: 2019-11-25. Review status: no assertion criteria provided. Collection method: clinical testing. Allele origin: germline. Not counted in ClinVar's aggregate classification.
Comment: This variant is classified as likely benign based on ACMG/AMP sequence variant interpretation guidelines (Richards et al. 2015 PMID: 25741868, with internal and published modifications).